The following is an entry in ClinVar:

NM_005876.5(SPEG):c.8350G>A (p.Glu2784Lys)

Genes: ASIC4-AS1 (ASIC4 antisense RNA 1; minus strand), SPEG (striated muscle enriched protein kinase; plus strand). Cytogenetic location: 2q35.
Variant type: single nucleotide variant.
Coding change: c.8350G>A on transcript NM_005876.5 (MANE Select); coding-DNA position 8350, G replaced by A.
Protein change: p.Glu2784Lys; replaces glutamic acid 2784 with lysine.
Molecular consequence: missense variant.
Genome position (GRCh38, 1-based): chr2:219,489,368, G>A. VCF-style: chr2-219489368-G-A. GRCh37 (hg19) VCF-style: chr2-220354090-G-A.
Other names: short protein forms E2784K.
Identifiers: ClinVar variation 4686077 (VCV004686077.2).
Genomic context (GRCh38, chr2:219,489,368, plus strand): 5'-CACGGTGATGATTTTCTCTCTCTCTTAGATTCTTCAGCTGTGCCATCTGCTGCCCACCAA[G>A]AGGCCCCTGTCACCTCAAGGCCAGCCAGGGCCCGGCCTCCTGACTCTCCTACCTCACTGG-3'
Protein context (NP_005867.3, residues 2774-2794): SSAVPSAAHQ[Glu2784Lys]APVTSRPARA

ClinVar aggregate classification (germline): Uncertain significance. Review status: criteria provided, single submitter (1 of 4 stars). 2 submissions from 1 submitter: Uncertain significance (2). Last evaluated 2026-01-27.

Conditions:
Primary dilated cardiomyopathy (DCM). Also called: Dilated Cardiomyopathy. Identifiers: Orphanet 217604, MedGen C0007193, MeSH D002311, MONDO:0005021, HP:0001644. Inheritance: Various modes of inheritance.
Long QT syndrome (LQTS). Identifiers: MedGen C0023976, MeSH D008133, MONDO:0002442. Disease mechanism: loss of function. Inheritance: Various modes of inheritance.

gnomAD v4.1: 41 of 1,613,364 alleles (0.0025%); highest among the groups gnomAD compares: Non-Finnish European, 0.0029%; no homozygotes.

Submissions (2):

Petrovsky National Research Centre of Surgery, The Federal Agency for Scientific Organizations
Classification: Uncertain significance for Primary dilated cardiomyopathy. Last evaluated: 2026-01-27. Review status: criteria provided, single submitter. Criteria: ACMG Guidelines, 2015. Collection method: clinical testing. Allele origin: germline. Affected: yes. Observed: 1 variant allele.
Comment: The variant is in The Genome Aggregation Database (gnomAD) v4.1.0 with total 2.541e-05. (Date of access 2026-01-27). In accordance with ACMG (2015) criteria this variant is classified as Uncertain significance with following criteria selected: PM2, BP4.

Petrovsky National Research Centre of Surgery, The Federal Agency for Scientific Organizations
Classification: Uncertain significance for Long QT syndrome. Last evaluated: 2026-01-20. Review status: criteria provided, single submitter. Criteria: ACMG Guidelines, 2015. Collection method: clinical testing. Allele origin: germline. Affected: yes. Observed: 1 variant allele.
Comment: The variant is in The Genome Aggregation Database (gnomAD) v4.1.0 with total 2.54e-05. (Date of access 2026-01-20). In accordance with ACMG (2015) criteria this variant is classified as Uncertain significance with following criteria selected: PM2, BP4.